The following is an entry in ClinVar:

NM_003738.5(PTCH2):c.1993C>G (p.Arg665Gly)

Gene: PTCH2 (patched 2; minus strand). Cytogenetic location: 1p34.1.
Variant type: single nucleotide variant.
Coding change: c.1993C>G on transcript NM_003738.5 (MANE Select); coding-DNA position 1993, C replaced by G.
Protein change: p.Arg665Gly; replaces arginine 665 with glycine.
Molecular consequence: missense variant.
Genome position (GRCh38, 1-based): chr1:44,827,908, G>C on the plus strand (C>G on the coding strand, the complement: PTCH2 is on the minus strand). VCF-style: chr1-44827908-G-C. GRCh37 (hg19) VCF-style: chr1-45293580-G-C.
Other names: c.1993C>G, p.Arg665Gly (NM_001166292.2); short protein forms R665G.
Identifiers: ClinVar variation 2832585 (VCV002832585.3), dbSNP rs138324984, ClinGen allele CA340098797.

ClinVar aggregate classification (germline): Uncertain significance (1 of 4 stars; one submission).

Conditions:
Gorlin syndrome. Also called: Nevoid Basal Cell Carcinoma Syndrome; Basal cell nevus syndrome. Identifiers: Orphanet 377, MedGen C0004779, MONDO:0007187.

gnomAD v4.1: 4 of 1,614,180 alleles (0.00025%); highest among the groups gnomAD compares: Non-Finnish European, 0.00034%; no homozygotes.

Submission:

Labcorp Genetics (formerly Invitae), Labcorp
Classification: Uncertain significance for Gorlin syndrome. Last evaluated: 2023-10-12. Review status: criteria provided, single submitter. Criteria: Invitae Variant Classification Sherloc (09022015). Collection method: clinical testing. Allele origin: germline.
Comment: This sequence change replaces arginine, which is basic and polar, with glycine, which is neutral and non-polar, at codon 665 of the PTCH2 protein (p.Arg665Gly). This variant is not present in population databases (gnomAD no frequency). This variant has not been reported in the literature in individuals affected with PTCH2-related conditions. Advanced modeling of protein sequence and biophysical properties (such as structural, functional, and spatial information, amino acid conservation, physicochemical variation, residue mobility, and thermodynamic stability) performed at Invitae indicates that this missense variant is not expected to disrupt PTCH2 protein function. In summary, the available evidence is currently insufficient to determine the role of this variant in disease. Therefore, it has been classified as a Variant of Uncertain Significance.